The following is an entry in ClinVar:

NM_000179.3(MSH6):c.2904C>G (p.Val968=)

Gene: MSH6 (mutS homolog 6; plus strand). Cytogenetic location: 2p16.3.
Variant type: single nucleotide variant.
Coding change: c.2904C>G on transcript NM_000179.3 (MANE Select); coding-DNA position 2904, C replaced by G.
Protein change: p.Val968=; no amino-acid change (valine 968 retained).
Molecular consequence: synonymous variant.
Genome position (GRCh38, 1-based): chr2:47,800,887, C>G. VCF-style: chr2-47800887-C-G. GRCh37 (hg19) VCF-style: chr2-48028026-C-G.
Other names: c.2514C>G, p.Val838= (NM_001281492.2); c.1998C>G, p.Val666= (NM_001281493.2, NM_001281494.2).
Identifiers: ClinVar variation 184311 (VCV000184311.66), dbSNP rs150683226, ClinGen allele CA011056.

ClinVar aggregate classification (germline): Benign/Likely benign. Review status: criteria provided, multiple submitters, no conflicts (2 of 4 stars). 17 submissions from 17 submitters: Benign (4); Likely benign (11). 2 of the submissions do not count toward it. Last evaluated 2026-02-01.

Conditions:
MSH6-related disorder. Also called: MSH6-related condition; MSH6-Related disorders.
Hereditary nonpolyposis colorectal neoplasms. Identifiers: MedGen C0009405, MeSH D003123.
Breast and/or ovarian cancer. Identifiers: MedGen CN221562.
Hereditary cancer-predisposing syndrome. Also called: Tumor predisposition; Neoplastic Syndromes, Hereditary; Hereditary Cancer Syndrome; Hereditary neoplastic syndrome. Identifiers: Orphanet 140162, MedGen C0027672, MeSH D009386, MONDO:0015356.
Lynch syndrome. Identifiers: Orphanet 144, MedGen C4552100, MONDO:0005835. Disease mechanism: loss of function.
Lynch syndrome 5 (LYNCH5). Also called: Hereditary non-polyposis colorectal cancer, type 5; Colorectal cancer, hereditary nonpolyposis, type 5. Identifiers: Orphanet 144, MedGen C1833477, MONDO:0013710, OMIM 614350. Disease mechanism: loss of function.

Allele frequency attached by ClinVar (database versions not stated): gnomAD 0.00004 and 0.00003; ESP Exome Variant Server 0.00015; ExAC 0.00024; TOPMed 0.00002.
gnomAD v4.1: 71 of 1,606,062 alleles (0.0044%); highest among the groups gnomAD compares: Non-Finnish European, 0.0055%; no homozygotes.

Submissions (17):

Labcorp Genetics (formerly Invitae), Labcorp
Classification: Likely benign for Hereditary nonpolyposis colorectal neoplasms. Last evaluated: 2026-02-01. Review status: criteria provided, single submitter. Criteria: Invitae Variant Classification Sherloc (09022015). Collection method: clinical testing. Allele origin: germline.

PreventionGenetics, part of Exact Sciences
Classification: Likely benign for MSH6-related condition. Last evaluated: 2025-06-05. Review status: criteria provided, single submitter. Criteria: ACMG Guidelines, 2015. Collection method: clinical testing. Allele origin: germline.
Comment: This variant is classified as likely benign based on ACMG/AMP sequence variant interpretation guidelines (Richards et al. 2015 PMID: 25741868, with internal and published modifications).

Center for Genomic Medicine, Rigshospitalet, Copenhagen University Hospital
Classification: Likely benign. Last evaluated: 2025-03-04. Review status: criteria provided, single submitter. Criteria: ACMG Guidelines, 2015. Collection method: clinical testing. Allele origin: germline.

Blueprint Genetics
Classification: Likely benign. Last evaluated: 2024-10-15. Review status: criteria provided, single submitter. Criteria: ACMG Guidelines, 2015. Collection method: clinical testing. Allele origin: germline.

All of Us Research Program, National Institutes of Health
Classification: Likely benign for Lynch syndrome. Last evaluated: 2024-01-08. Review status: criteria provided, single submitter. Criteria: ACMG Guidelines, 2015. Collection method: clinical testing. Allele origin: germline. Inheritance: Autosomal dominant inheritance. Observed: 14 variant alleles, 14 heterozygotes.
Comment: This study involves interpretation of variants in research participants for the purpose of population health screening. Participant phenotype was not available at the time of variant classification. Additional details can be found in publication PMID: 35346344, PMCID: PMC8962531

Department of Pathology and Laboratory Medicine, Sinai Health System
Classification: Likely benign for Lynch syndrome. Last evaluated: 2023-08-01. Review status: criteria provided, single submitter. Criteria: ACMG Guidelines, 2015. Collection method: clinical testing. Allele origin: germline. Affected: yes.

KCCC/NGS Laboratory, Kuwait Cancer Control Center
Classification: Benign for Lynch syndrome 5. Last evaluated: 2023-07-07. Review status: criteria provided, single submitter. Criteria: ACMG Guidelines, 2015. Collection method: clinical testing. Allele origin: germline. Affected: yes.

Myriad Genetics, Inc.
Classification: Benign for Lynch syndrome 5. Last evaluated: 2023-03-28. Review status: criteria provided, single submitter. Criteria: Myriad Autosomal Dominant, Autosomal Recessive and X-Linked Classification Criteria (2023). Collection method: clinical testing. Allele origin: unknown.
Comment: This variant is considered benign. This variant is a silent/synonymous amino acid change and it is not expected to impact splicing.

CeGaT Center for Human Genetics Tuebingen
Classification: Likely benign. Last evaluated: 2022-10-01. Review status: criteria provided, single submitter. Criteria: CeGaT Center For Human Genetics Tuebingen Variant Classification Criteria Version 2. Collection method: clinical testing. Allele origin: germline. Affected: yes. Observed: 2 variant alleles.
Comment: MSH6: BP4, BP7

CHEO Genetics Diagnostic Laboratory, Children's Hospital of Eastern Ontario
Classification: Likely benign for Breast and/or ovarian cancer. Last evaluated: 2022-05-17. Review status: criteria provided, single submitter. Criteria: ACMG Guidelines, 2015. Collection method: clinical testing. Allele origin: germline.

Women's Health and Genetics/Laboratory Corporation of America, LabCorp
Classification: Benign. Last evaluated: 2018-12-20. Review status: criteria provided, single submitter. Criteria: LabCorp Variant Classification Summary - May 2015. Collection method: clinical testing. Allele origin: germline.
Comment: Variant summary: MSH6 c.2904C>G alters a non-conserved nucleotide resulting in a synonymous change. 5/5 computational tools predict no significant impact on normal splicing. However, these predictions have yet to be confirmed by functional studies. The variant allele was found at a frequency of 0.00012 in 239046 control chromosomes, predominantly at a frequency of 0.00026 within the Non-Finnish European subpopulation in the gnomAD database. The observed variant frequency within Non-Finnish European control individuals in the gnomAD database is approximately 2-fold of the estimated maximal expected allele frequency for a pathogenic variant in MSH6 causing Lynch Syndrome phenotype (0.00014), strongly suggesting that the variant is a benign polymorphism found primarily in populations of Non-Finnish European origin. To our knowledge, no occurrence of c.2904C>G in individuals affected with Lynch Syndrome and no experimental evidence demonstrating its impact on protein function have been reported. Five clinical diagnostic laboratories have submitted clinical-significance assessments for this variant to ClinVar after 2014 without evidence for independent evaluation. All laboratories classified the variant as benign/likely benign. Based on the evidence outlined above, the variant was classified as benign.

Quest Diagnostics Nichols Institute San Juan Capistrano
Classification: Likely benign. Last evaluated: 2018-05-03. Review status: criteria provided, single submitter. Criteria: Quest Diagnostics criteria. Collection method: clinical testing. Allele origin: germline.

Color Diagnostics, LLC DBA Color Health
Classification: Likely benign for Hereditary cancer-predisposing syndrome. Last evaluated: 2017-02-15. Review status: criteria provided, single submitter. Criteria: ACMG Guidelines, 2015. Collection method: clinical testing. Allele origin: germline.

GeneDx
Classification: Benign. Last evaluated: 2015-07-13. Review status: criteria provided, single submitter. Criteria: GeneDx Variant Classification (06012015). Collection method: clinical testing. Allele origin: germline. Affected: yes.
Comment: This variant is considered likely benign or benign based on one or more of the following criteria: it is a conservative change, it occurs at a poorly conserved position in the protein, it is predicted to be benign by multiple in silico algorithms, and/or has population frequency not consistent with disease.

Ambry Genetics
Classification: Likely benign for Hereditary cancer-predisposing syndrome. Last evaluated: 2015-06-03. Review status: criteria provided, single submitter. Criteria: Ambry Variant Classification Scheme 2023. Collection method: clinical testing. Allele origin: germline.

Counsyl
Classification: Likely benign for Lynch syndrome 5. Last evaluated: 2016-05-03. Review status: no assertion criteria provided. Collection method: clinical testing. Allele origin: unknown. Not counted in ClinVar's aggregate classification.

Mayo Clinic Laboratories, Mayo Clinic
Classification: Likely benign. Review status: no assertion criteria provided. Collection method: clinical testing. Allele origin: unknown. Not counted in ClinVar's aggregate classification.